The following is an entry in ClinVar:

ClinVar aggregate classification (germline): Conflicting classifications of pathogenicity. Review status: criteria provided, conflicting classifications (1 of 4 stars). 10 submissions from 10 submitters: Likely pathogenic (1); Uncertain significance (8). 1 of the submissions does not count toward it. Last evaluated 2026-08-11.

Conditions:
Sitosterolemia 1. Identifiers: MedGen C2749759, MONDO:0020747, OMIM 210250.
Cardiovascular phenotype. Identifiers: MedGen CN230736.
ABCG8-related disorder. Also called: ABCG8-related condition.
Gallbladder disease 4 (GBD4). Identifiers: MedGen C1969115, MONDO:1010151, OMIM 611465.

Allele frequency attached by ClinVar (database versions not stated): ESP Exome Variant Server 0.00015; 1000 Genomes Project 30x 0.00016; gnomAD 0.00018 and 0.00019; TOPMed 0.00019; 1000 Genomes Project 0.00020; gnomAD exomes 0.00021 and 0.00042; ExAC 0.00023.
gnomAD v4.1: 674 of 1,614,184 alleles (0.042%); highest among the groups gnomAD compares: Non-Finnish European, 0.051%; 1 homozygote.

Submissions (10):

PreventionGenetics, part of Exact Sciences
Classification: Uncertain significance for ABCG8-related condition. Last evaluated: 2026-08-11. Review status: criteria provided, single submitter. Criteria: ACMG Guidelines, 2015. Collection method: clinical testing. Allele origin: germline.
Comment: The ABCG8 c.1629G>T variant is predicted to result in the amino acid substitution p.Arg543Ser. This variant has been reported in individuals with sitosterolemia and/or familial hypercholesterolemia (Lu et al. 2001. PubMed ID: 11452359; Table S4, Dron et al. 2020. PubMed ID: 32041611; Reeskamp et al. 2020. PubMed ID: 32088153; Miroshnikova et al. 2020. PubMed ID: 33269076). Experimental studies have shown that this variant impairs protein function (Graf et al. 2004. PubMed ID: 15054092; Xavier et al. 2020. PubMed ID: 33228147). This variant is reported in 0.044% of alleles in individuals of European (Non-Finnish) descent in gnomAD. At this time, the clinical significance of this variant is uncertain due to the absence of conclusive functional and genetic evidence.

CeGaT Center for Human Genetics Tuebingen
Classification: Uncertain significance. Last evaluated: 2026-08-01. Review status: criteria provided, single submitter. Criteria: CeGaT Center For Human Genetics Tuebingen Variant Classification Criteria Version 2. Collection method: clinical testing. Allele origin: germline. Affected: yes. Observed: 2 variant alleles.
Comment: ABCG8: PM2:Supporting, PM3:Supporting

Labcorp Genetics (formerly Invitae), Labcorp
Classification: Uncertain significance. Last evaluated: 2026-01-02. Review status: criteria provided, single submitter. Criteria: Invitae Variant Classification Sherloc (09022015). Collection method: clinical testing. Allele origin: germline.
Comment: This sequence change replaces arginine, which is basic and polar, with serine, which is neutral and polar, at codon 543 of the ABCG8 protein (p.Arg543Ser). This variant is present in population databases (rs201690654, gnomAD 0.05%). This missense change has been observed in individual(s) with familial hypercholesterolemia and/or sitosterolemia (PMID: 11452359, 32041611, 32088153, 33269076). ClinVar contains an entry for this variant (Variation ID: 496966). Invitae Evidence Modeling of protein sequence and biophysical properties (such as structural, functional, and spatial information, amino acid conservation, physicochemical variation, residue mobility, and thermodynamic stability) indicates that this missense variant is not expected to disrupt ABCG8 protein function with a negative predictive value of 80%. Experimental studies have shown that this missense change affects ABCG8 function (PMID: 15054092, 33228147). In summary, the available evidence is currently insufficient to determine the role of this variant in disease. Therefore, it has been classified as a Variant of Uncertain Significance.

Ambry Genetics
Classification: Uncertain significance for Cardiovascular phenotype. Last evaluated: 2025-06-03. Review status: criteria provided, single submitter. Criteria: Ambry Variant Classification Scheme 2023. Collection method: clinical testing. Allele origin: germline.
Comment: The p.R543S variant (also known as c.1629G>T), located in coding exon 11 of the ABCG8 gene, results from a G to T substitution at nucleotide position 1629. The arginine at codon 543 is replaced by serine, an amino acid with dissimilar properties. This variant co-occurred with a nonsense variant in ABCG8 in a proband reported to have features consistent with sitosterolemia (Lu K et al. Am J Hum Genet, 2001 Aug;69:278-90). This variant has also been detected in dyslipidemia cohorts, familial hypercholesterolemia (FH) cohorts, or cohorts referred for FH genetic testing; however, additional details were limited (Dron JS et al. BMC Med Genomics, 2020 02;13:23; Reeskamp LF et al. J Clin Lipidol Jan;14:207-217.e7; Miroshnikova VV et al. Biomed Rep, 2021 Jan;14:15). In one study, assays indicated that this variant was associated with a reduction, but not absence, of mature proprotein, and protein with this variant was trafficking competent (Graf GA et al. J Biol Chem, 2004 Jun;279:24881-8). This amino acid position is highly conserved in available vertebrate species. In addition, the in silico prediction for this alteration is inconclusive. Since supporting evidence is limited at this time, the clinical significance of this alteration remains unclear.

Revvity Omics, Revvity
Classification: Uncertain significance for Sitosterolemia 1. Last evaluated: 2024-08-13. Review status: criteria provided, single submitter. Criteria: ACMG Guidelines, 2015. Collection method: clinical testing. Allele origin: germline.

Blueprint Genetics
Classification: Likely pathogenic for ABCG8-related disorders. Last evaluated: 2024-06-11. Review status: criteria provided, single submitter. Criteria: ACMG Guidelines, 2015. Collection method: clinical testing. Allele origin: germline. Affected: yes. Observed: 5 variant alleles.

Fulgent Genetics
Classification: Uncertain significance for Sitosterolemia 1; Gallbladder disease 4. Last evaluated: 2022-01-21. Review status: criteria provided, single submitter. Criteria: ACMG Guidelines, 2015. Collection method: clinical testing. Allele origin: unknown.

Mayo Clinic Laboratories, Mayo Clinic
Classification: Uncertain significance. Last evaluated: 2019-11-18. Review status: criteria provided, single submitter. Criteria: ACMG Guidelines, 2015. Collection method: clinical testing. Allele origin: germline. Observed: 1 variant allele.

Eurofins Ntd Llc (ga)
Classification: Uncertain significance. Last evaluated: 2018-08-10. Review status: criteria provided, single submitter. Criteria: EGL ClinVar v180209 classification definitions. Collection method: clinical testing. Allele origin: germline. Observed: 3 variant alleles, 3 heterozygotes.

ISTH-SSC Genomics in Thrombosis and Hemostasis, KU Leuven, Center for Molecular and Vascular Biology
Classification: Uncertain significance for Sitosterolemia 1. Review status: no assertion criteria provided. Collection method: research. Allele origin: unknown. Affected: yes. Not counted in ClinVar's aggregate classification.
Comment: Submitted to GoldVariant by Neil Morgan from Birmingham Platelet Group, Birmingham, UK

Literature cited by the submitters: PubMed 11452359 (cited by Labcorp Genetics (formerly Invitae), Labcorp and Ambry Genetics); PubMed 32041611 (cited by Labcorp Genetics (formerly Invitae), Labcorp and Ambry Genetics); PubMed 32088153 (cited by Labcorp Genetics (formerly Invitae), Labcorp and Ambry Genetics); PubMed 33269076 (cited by Labcorp Genetics (formerly Invitae), Labcorp and Ambry Genetics); PubMed 15054092 (cited by Labcorp Genetics (formerly Invitae), Labcorp and Ambry Genetics); PubMed 33228147 (cited by Labcorp Genetics (formerly Invitae), Labcorp and Ambry Genetics).

NM_022437.3(ABCG8):c.1629G>T (p.Arg543Ser)

Gene: ABCG8 (ATP binding cassette subfamily G member 8; plus strand). Cytogenetic location: 2p21.
Variant type: single nucleotide variant.
Coding change: c.1629G>T on transcript NM_022437.3 (MANE Select); coding-DNA position 1629, G replaced by T.
Protein change: p.Arg543Ser; replaces arginine 543 with serine.
Molecular consequence: missense variant.
Genome position (GRCh38, 1-based): chr2:43,875,286, G>T. VCF-style: chr2-43875286-G-T. GRCh37 (hg19) VCF-style: chr2-44102425-G-T.
Other names: c.1626G>T, p.Arg542Ser (NM_001357321.2); short protein forms R543S, R542S.
Identifiers: ClinVar variation 496966 (VCV000496966.40), dbSNP rs201690654, ClinGen allele CA1637567.